The following is an entry in ClinVar:

ClinVar aggregate classification (germline): Uncertain significance (1 of 4 stars; one submission).

Submission:

Labcorp Genetics (formerly Invitae), Labcorp
Classification: Uncertain significance. Last evaluated: 2022-11-22. Review status: criteria provided, single submitter. Criteria: Invitae Variant Classification Sherloc (09022015). Collection method: clinical testing. Allele origin: germline.
Comment: This variant is present in population databases (no rsID available, gnomAD 0.003%). In summary, the available evidence is currently insufficient to determine the role of this variant in disease. Therefore, it has been classified as a Variant of Uncertain Significance. Experimental studies and prediction algorithms are not available or were not evaluated, and the functional significance of this variant is currently unknown. This variant has not been reported in the literature in individuals affected with EXOC6B-related conditions. This variant, c.2348_2350del, results in the deletion of 1 amino acid(s) of the EXOC6B protein (p.Asn783del), but otherwise preserves the integrity of the reading frame.

NM_015189.3(EXOC6B):c.2333ACA[1] (p.Asn779del)

Gene: EXOC6B (exocyst complex component 6B; minus strand). Cytogenetic location: 2p13.2.
Variant type: Microsatellite.
Coding change: c.2333ACA[1] on transcript NM_015189.3 (MANE Select); one copy of the 3-base unit ACA starting at c.2333; the reference has two copies in a row; one copy, 3 bases deleted.
Protein change: p.Asn779del; deletes asparagine 779.
Molecular consequence: inframe deletion. On other transcripts: 3 prime UTR variant (1), non-coding transcript variant (2).
Genome position (GRCh38, 1-based): chr2:72,179,433-72,179,435, TGT deleted on the plus strand (ACA on the coding strand, the reverse complement: EXOC6B is on the minus strand); deleting any 3 consecutive bases within chr2:72,179,433-72,179,439 gives the same sequence; the position shown is the placement nearest the transcript's 3' end. VCF-style (leftmost placement, unchanged base first): chr2-72179432-ATGT-A. GRCh37 (hg19) VCF-style: chr2-72406561-ATGT-A.
Other names: c.2345ACA[1], p.Asn783del (NM_001321729.2); c.2210ACA[1], p.Asn738del (NM_001321730.2); c.*61ACA[1] (NM_001321731.2); c.2198ACA[1], p.Asn734del (NM_001321733.2); c.2006ACA[1], p.Asn670del (NM_001321734.2); short protein forms N783del, N738del, N779del, N670del, N734del.
Identifiers: ClinVar variation 1363136 (VCV001363136.6), dbSNP rs1194224600, ClinGen allele CA533268774.